The following is an entry in ClinVar:

NM_016247.4(IMPG2):c.2835G>T (p.Gly945=)

Gene: IMPG2 (interphotoreceptor matrix proteoglycan 2; minus strand). Cytogenetic location: 3q12.3.
Variant type: single nucleotide variant.
Coding change: c.2835G>T on transcript NM_016247.4 (MANE Select); coding-DNA position 2835, G replaced by T.
Protein change: p.Gly945=; no amino-acid change (glycine 945 retained).
Molecular consequence: synonymous variant.
Genome position (GRCh38, 1-based): chr3:101,242,875, C>A on the plus strand (G>T on the coding strand, the complement: IMPG2 is on the minus strand). VCF-style: chr3-101242875-C-A. GRCh37 (hg19) VCF-style: chr3-100961719-C-A.
Other names: c.2835G>T (NM_016247.3).
Identifiers: ClinVar variation 1582616 (VCV001582616.11), dbSNP rs747933808, ClinGen allele CA79721187.

ClinVar aggregate classification (germline): Conflicting classifications of pathogenicity. Review status: criteria provided, conflicting classifications (1 of 4 stars). 3 submissions from 3 submitters: Uncertain significance (1); Likely benign (2). Last evaluated 2025-12-25.

Conditions:
IMPG2-related disorder. Also called: IMPG2-related condition.

gnomAD v4.1: 19 of 1,613,886 alleles (0.0012%); highest among the groups gnomAD compares: African/African-American, 0.024%; no homozygotes.

Submissions (3):

Labcorp Genetics (formerly Invitae), Labcorp
Classification: Likely benign. Last evaluated: 2025-12-25. Review status: criteria provided, single submitter. Criteria: Invitae Variant Classification Sherloc (09022015). Collection method: clinical testing. Allele origin: germline.

PreventionGenetics, part of Exact Sciences
Classification: Likely benign for IMPG2-related condition. Last evaluated: 2025-08-04. Review status: criteria provided, single submitter. Criteria: ACMG Guidelines, 2015. Collection method: clinical testing. Allele origin: germline.
Comment: This variant is classified as likely benign based on ACMG/AMP sequence variant interpretation guidelines (Richards et al. 2015 PMID: 25741868, with internal and published modifications).

Blueprint Genetics
Classification: Uncertain significance. Last evaluated: 2022-02-05. Review status: criteria provided, single submitter. Criteria: ACMG Guidelines, 2015. Collection method: clinical testing. Allele origin: germline.